The following is an entry in ClinVar:

ClinVar aggregate classification (germline): Conflicting classifications of pathogenicity. Review status: criteria provided, conflicting classifications (1 of 4 stars). 6 submissions from 6 submitters: Uncertain significance (3); Likely benign (1). 2 of the submissions do not count toward it. Last evaluated 2025-08-09.

Conditions:
TBX3-related disorder. Also called: TBX3-related condition.
Ulnar-mammary syndrome (UMS). Also called: SCHINZEL SYNDROME; PALLISTER ULNAR-MAMMARY SYNDROME; Ulnar-mammary syndrome of Pallister. Identifiers: Orphanet 3138, MedGen C1866994, MONDO:0008411, OMIM 181450.

Allele frequency attached by ClinVar (database versions not stated): gnomAD exomes 0.00005 and 0.00007; ExAC 0.00016; gnomAD 0.00016; TOPMed 0.00017; ESP Exome Variant Server 0.00023; 1000 Genomes Project 30x 0.00062; 1000 Genomes Project 0.00080.
gnomAD v4.1: 105 of 1,581,980 alleles (0.0066%); highest among the groups gnomAD compares: Middle Eastern, 0.13%; no homozygotes.

Submissions (6):

Labcorp Genetics (formerly Invitae), Labcorp
Classification: Uncertain significance for Ulnar-mammary syndrome. Last evaluated: 2025-08-09. Review status: criteria provided, single submitter. Criteria: Invitae Variant Classification Sherloc (09022015). Collection method: clinical testing. Allele origin: germline.
Comment: This sequence change replaces glutamic acid, which is acidic and polar, with aspartic acid, which is acidic and polar, at codon 360 of the TBX3 protein (p.Glu360Asp). This variant is present in population databases (rs376189812, gnomAD 0.05%), and has an allele count higher than expected for a pathogenic variant. This variant has not been reported in the literature in individuals affected with TBX3-related conditions. ClinVar contains an entry for this variant (Variation ID: 499459). An algorithm developed to predict the effect of missense changes on protein structure and function outputs the following: PolyPhen-2: "Benign". The aspartic acid amino acid residue is found in multiple mammalian species, which suggests that this missense change does not adversely affect protein function. In summary, the available evidence is currently insufficient to determine the role of this variant in disease. Therefore, it has been classified as a Variant of Uncertain Significance.

Revvity Omics, Revvity
Classification: Uncertain significance for Ulnar-mammary syndrome. Last evaluated: 2021-01-25. Review status: criteria provided, single submitter. Criteria: ACMG Guidelines, 2015. Collection method: clinical testing. Allele origin: germline.

Illumina Laboratory Services, Illumina
Classification: Likely benign for Ulnar-mammary syndrome. Last evaluated: 2018-01-13. Review status: criteria provided, single submitter. Criteria: ICSL Variant Classification Criteria 13 December 2019. Collection method: clinical testing. Allele origin: germline.
Comment: This variant was observed in the ICSL laboratory as part of a predisposition screen in an ostensibly healthy population. It had not been previously curated by ICSL or reported in the Human Gene Mutation Database (HGMD: prior to June 1st, 2018), and was therefore a candidate for classification through an automated scoring system. Utilizing variant allele frequency, disease prevalence and penetrance estimates, and inheritance mode, an automated score was calculated to assess if this variant is too frequent to cause the disease. Based on the score and internal cut-off values, a variant classified as likely benign is not then subjected to further curation. The score for this variant resulted in a classification of likely benign for this disease.

Eurofins Ntd Llc (ga)
Classification: Uncertain significance. Last evaluated: 2017-01-19. Review status: criteria provided, single submitter. Criteria: EGL Classification Definitions 2015. Collection method: clinical testing. Allele origin: germline. Observed: 1 variant allele, 1 heterozygote.

PreventionGenetics, part of Exact Sciences
Classification: Likely benign for TBX3-related condition. Last evaluated: 2022-01-03. Review status: no assertion criteria provided. Collection method: clinical testing. Allele origin: germline. Not counted in ClinVar's aggregate classification.
Comment: This variant is classified as likely benign based on ACMG/AMP sequence variant interpretation guidelines (Richards et al. 2015 PMID: 25741868, with internal and published modifications).

Department of Pathology and Laboratory Medicine, Sinai Health System
Classification: Uncertain significance. Review status: no assertion criteria provided. Collection method: clinical testing. Allele origin: unknown. Affected: yes. Study: The Canadian Open Genetics Repository (COGR). Not counted in ClinVar's aggregate classification.
Comment: The TBX3 p.Glu380Asp variant was not identified in the literature but was identified in dbSNP (ID: rs376189812) and ClinVar (classified as uncertain significance by EGL Genetic Diagnostics). The variant was identified in control databases in 19 of 231848 chromosomes at a frequency of 0.00008195 (Genome Aggregation Database March 6, 2019, v2.1.1). The variant was observed in the following populations: Other in 3 of 6296 chromosomes (freq: 0.000477), African in 8 of 21164 chromosomes (freq: 0.000378), South Asian in 2 of 26358 chromosomes (freq: 0.000076), Latino in 2 of 30314 chromosomes (freq: 0.000066) and European (non-Finnish) in 4 of 106492 chromosomes (freq: 0.000038), but was not observed in the Ashkenazi Jewish, East Asian, or European (Finnish) populations. The p.Glu380 residue is not conserved in mammals and four out of five computational analyses (PolyPhen-2, SIFT, AlignGVGD, BLOSUM, MutationTaster) do not suggest a high likelihood of impact to the protein; however, this information is not predictive enough to rule out pathogenicity. The variant occurs outside of the splicing consensus sequence and in silico or computational prediction software programs (SpliceSiteFinder, MaxEntScan, NNSPLICE, GeneSplicer) do not predict a difference in splicing. In summary, based on the above information the clinical significance of this variant cannot be determined with certainty at this time. This variant is classified as a variant of uncertain significance.

NM_005996.4(TBX3):c.1080G>C (p.Glu360Asp)

Gene: TBX3 (T-box transcription factor 3; minus strand). Cytogenetic location: 12q24.21.
Variant type: single nucleotide variant.
Coding change: c.1080G>C on transcript NM_005996.4 (MANE Select); coding-DNA position 1080, G replaced by C.
Protein change: p.Glu360Asp; replaces glutamic acid 360 with aspartic acid.
Molecular consequence: missense variant.
Genome position (GRCh38, 1-based): chr12:114,674,795, C>G on the plus strand (G>C on the coding strand, the complement: TBX3 is on the minus strand). VCF-style: chr12-114674795-C-G. GRCh37 (hg19) VCF-style: chr12-115112600-C-G.
Other names: c.1140G>C (NM_016569.3); c.1140G>C, p.Glu380Asp (NM_016569.4); short protein forms E360D, E380D.
Identifiers: ClinVar variation 499459 (VCV000499459.21), dbSNP rs376189812, ClinGen allele CA6810005.
Genomic context (GRCh38, chr12:114,674,795, plus strand): 5'-CGACGTGGTGGTGGAGATCTTGGCCGCGTCGCAGGCCTCGGGGCCATGCTCCTCTTTGCT[C>G]TCGGCCTCGGCGTCGCTCTCACCCTCGCTGGGACATAAATCTACCACAGGCGAAGGAAAA-3'
Protein context (NP_005987.3, residues 350-370): PSEGESDAEA[Glu360Asp]SKEEHGPEAC